The following is an entry in ClinVar:

ClinVar aggregate classification (germline): Likely benign (1 of 4 stars; one submission).

gnomAD v4.1: 1 of 1,614,176 alleles (0.000062%); no homozygotes.

Submission:

CeGaT Center for Human Genetics Tuebingen
Classification: Likely benign. Last evaluated: 2023-06-01. Review status: criteria provided, single submitter. Criteria: CeGaT Center For Human Genetics Tuebingen Variant Classification Criteria Version 2. Collection method: clinical testing. Allele origin: germline. Affected: yes. Observed: 1 variant allele.
Comment: LAMA1: PM2:Supporting, BP4, BP7

NM_005559.4(LAMA1):c.6417C>T (p.Tyr2139=)

Gene: LAMA1 (laminin subunit alpha 1; minus strand). Cytogenetic location: 18p11.31.
Variant type: single nucleotide variant.
Coding change: c.6417C>T on transcript NM_005559.4 (MANE Select); coding-DNA position 6417, C replaced by T.
Protein change: p.Tyr2139=; no amino-acid change (tyrosine 2139 retained).
Molecular consequence: synonymous variant.
Genome position (GRCh38, 1-based): chr18:6,976,009, G>A on the plus strand (C>T on the coding strand, the complement: LAMA1 is on the minus strand). VCF-style: chr18-6976009-G-A. GRCh37 (hg19) VCF-style: chr18-6976008-G-A.
Identifiers: ClinVar variation 2648544 (VCV002648544.24), dbSNP rs2510837760, ClinGen allele CA502470196.
Genomic context (GRCh38, chr18:6,976,009, plus strand): 5'-ACCGAGGTAGAAGAGAAGATTATCGGGTTCCTGTGTCTTAACATTTAGTGTTAAGGTATT[G>A]TAGTTGGTAGAGGAAATCTGAGGCTGGTAGGCCCGGATGCAATCTCTGTCTGCAGACACG-3'
Protein context (NP_005550.2, residues 2129-2149): AYQPQISSTN[Tyr2139=]NTLTLNVKTQ